The following is an entry in ClinVar:

ClinVar aggregate classification (germline): Conflicting classifications of pathogenicity. Review status: criteria provided, conflicting classifications (1 of 4 stars). 6 submissions from 5 submitters: Uncertain significance (5); Likely benign (1). Last evaluated 2025-12-03.

Conditions:
USH2A-related disorder. Also called: USH2A-related condition; USH2A-related disorders. Identifiers: MedGen CN239332.
Usher syndrome type 2A. Also called: RETINAL DISEASE IN USHER SYNDROME TYPE IIA, MODIFIER OF; USHER SYNDROME, TYPE IIA. Identifiers: Orphanet 231178, Orphanet 886, MedGen C1848634, MONDO:0010169, OMIM 276901.
Retinitis pigmentosa 39 (RP39). Identifiers: Orphanet 791, MedGen C3151138, MONDO:0013436, OMIM 613809.

Allele frequency attached by ClinVar (database versions not stated): ExAC 0.00005; gnomAD 0.00007; TOPMed 0.00007.
gnomAD v4.1: 177 of 1,614,010 alleles (0.011%); highest among the groups gnomAD compares: Non-Finnish European, 0.015%; no homozygotes.

Submissions (6):

Labcorp Genetics (formerly Invitae), Labcorp
Classification: Uncertain significance. Last evaluated: 2025-12-03. Review status: criteria provided, single submitter. Criteria: Invitae Variant Classification Sherloc (09022015). Collection method: clinical testing. Allele origin: germline.
Comment: This sequence change replaces arginine, which is basic and polar, with serine, which is neutral and polar, at codon 3626 of the USH2A protein (p.Arg3626Ser). This variant is present in population databases (rs766333064, gnomAD 0.01%). This variant has not been reported in the literature in individuals affected with USH2A-related conditions. ClinVar contains an entry for this variant (Variation ID: 2052698). Invitae Evidence Modeling of protein sequence and biophysical properties (such as structural, functional, and spatial information, amino acid conservation, physicochemical variation, residue mobility, and thermodynamic stability) indicates that this missense variant is not expected to disrupt USH2A protein function with a negative predictive value of 95%. In summary, the available evidence is currently insufficient to determine the role of this variant in disease. Therefore, it has been classified as a Variant of Uncertain Significance.

PreventionGenetics, part of Exact Sciences
Classification: Uncertain significance for USH2A-related condition. Last evaluated: 2025-01-15. Review status: criteria provided, single submitter. Criteria: ACMG Guidelines, 2015. Collection method: clinical testing. Allele origin: germline.
Comment: The USH2A c.10878G>T variant is predicted to result in the amino acid substitution p.Arg3626Ser. To our knowledge, this variant has not been reported in the literature. This variant is reported in 0.0085% of alleles in individuals of European (Non-Finnish) descent in gnomAD. At this time, the clinical significance of this variant is uncertain due to the absence of conclusive functional and genetic evidence.

GeneDx
Classification: Uncertain significance. Last evaluated: 2024-11-13. Review status: criteria provided, single submitter. Criteria: GeneDx Variant Classification Process June 2021. Collection method: clinical testing. Allele origin: germline.
Comment: In silico analysis indicates that this missense variant does not alter protein structure/function; Has not been previously published as pathogenic or benign to our knowledge

Blueprint Genetics
Classification: Likely benign. Last evaluated: 2024-04-03. Review status: criteria provided, single submitter. Criteria: ACMG Guidelines, 2015. Collection method: clinical testing. Allele origin: germline.

Genome-Nilou Lab
Classification: Uncertain significance for Retinitis pigmentosa 39. Last evaluated: 2023-11-04. Review status: criteria provided, single submitter. Criteria: ACMG Guidelines, 2015. Collection method: clinical testing. Allele origin: germline. Affected: no.

Genome-Nilou Lab
Classification: Uncertain significance for Usher syndrome type 2A. Last evaluated: 2023-11-04. Review status: criteria provided, single submitter. Criteria: ACMG Guidelines, 2015. Collection method: clinical testing. Allele origin: germline. Affected: no.

NM_206933.4(USH2A):c.10878G>T (p.Arg3626Ser)

Gene: USH2A (usherin; minus strand). Cytogenetic location: 1q41.
Variant type: single nucleotide variant.
Coding change: c.10878G>T on transcript NM_206933.4 (MANE Select); coding-DNA position 10878, G replaced by T.
Protein change: p.Arg3626Ser; replaces arginine 3626 with serine.
Molecular consequence: missense variant.
Genome position (GRCh38, 1-based): chr1:215,779,904, C>A on the plus strand (G>T on the coding strand, the complement: USH2A is on the minus strand). VCF-style: chr1-215779904-C-A. GRCh37 (hg19) VCF-style: chr1-215953246-C-A.
Other names: c.10878G>T (NM_206933.2); short protein forms R3626S.
Identifiers: ClinVar variation 2052698 (VCV002052698.7), dbSNP rs766333064, ClinGen allele CA1393900.